The following is an entry in ClinVar:

NM_002519.3(NPAT):c.3150G>C (p.Glu1050Asp)

Gene: NPAT (nuclear protein, coactivator of histone transcription; minus strand). Cytogenetic location: 11q22.3.
Variant type: single nucleotide variant.
Coding change: c.3150G>C on transcript NM_002519.3 (MANE Select); coding-DNA position 3150, G replaced by C.
Protein change: p.Glu1050Asp; replaces glutamic acid 1050 with aspartic acid.
Molecular consequence: missense variant.
Genome position (GRCh38, 1-based): chr11:108,161,936, C>G on the plus strand (G>C on the coding strand, the complement: NPAT is on the minus strand). VCF-style: chr11-108161936-C-G. GRCh37 (hg19) VCF-style: chr11-108032663-C-G.
Other names: c.3171G>C, p.Glu1057Asp (NM_001321307.1); short protein forms E1057D, E1050D.
Identifiers: ClinVar variation 1728192 (VCV001728192.3), dbSNP rs779340726, ClinGen allele CA6263637.
Genomic context (GRCh38, chr11:108,161,936, plus strand): 5'-AGTAGTGCTGTCGAAACAGAGTACACGTCTGTGGCATGGTTTAGCAGCTGGAACTATACT[C>G]TCTTCTGGGAAGGGAACTGTGGTTTCTTCTGATTTTTTCCCAAGATCTGTGGCAATACTT-3'
Protein context (NP_002510.2, residues 1040-1060): SEETTVPFPE[Glu1050Asp]SIVPAAKPCH

ClinVar aggregate classification (germline): Uncertain significance. Review status: criteria provided, multiple submitters, no conflicts (2 of 4 stars). 2 submissions from 2 submitters: Uncertain significance (2). Last evaluated 2025-08-11.

Allele frequency attached by ClinVar (database versions not stated): TOPMed below 0.00001; ExAC 0.00001.
gnomAD v4.1: 2 of 1,607,446 alleles (0.00012%); highest among the groups gnomAD compares: Non-Finnish European, 0.000085%; no homozygotes.

Submissions (2):

Labcorp Genetics (formerly Invitae), Labcorp
Classification: Uncertain significance. Last evaluated: 2025-08-11. Review status: criteria provided, single submitter. Criteria: Invitae Variant Classification Sherloc (09022015). Collection method: clinical testing. Allele origin: germline.
Comment: This sequence change replaces glutamic acid, which is acidic and polar, with aspartic acid, which is acidic and polar, at codon 1050 of the NPAT protein (p.Glu1050Asp). This variant is present in population databases (rs779340726, gnomAD 0.0009%). This variant has not been reported in the literature in individuals affected with NPAT-related conditions. ClinVar contains an entry for this variant (Variation ID: 1728192). An algorithm developed to predict the effect of missense changes on protein structure and function outputs the following: PolyPhen-2: "Benign". The aspartic acid amino acid residue is found in multiple mammalian species, which suggests that this missense change does not adversely affect protein function. In summary, the available evidence is currently insufficient to determine the role of this variant in disease. Therefore, it has been classified as a Variant of Uncertain Significance.

Ambry Genetics
Classification: Uncertain significance. Last evaluated: 2022-06-15. Review status: criteria provided, single submitter. Criteria: Ambry Variant Classification Scheme 2023. Collection method: clinical testing. Allele origin: germline.
Comment: The p.E1050D variant (also known as c.3150G>C), located in coding exon 17 of the NPAT gene, results from a G to C substitution at nucleotide position 3150. The glutamic acid at codon 1050 is replaced by aspartic acid, an amino acid with highly similar properties. This amino acid position is conserved. In addition, this alteration is predicted to be tolerated by in silico analysis. Since supporting evidence is limited at this time, the clinical significance of this alteration remains unclear.